The following is an entry in ClinVar:

NM_016239.4(MYO15A):c.8275C>T (p.Arg2759Trp)

Gene: MYO15A (myosin XVA; plus strand). Cytogenetic location: 17p11.2.
Variant type: single nucleotide variant.
Coding change: c.8275C>T on transcript NM_016239.4 (MANE Select); coding-DNA position 8275, C replaced by T.
Protein change: p.Arg2759Trp; replaces arginine 2759 with tryptophan.
Molecular consequence: missense variant.
Genome position (GRCh38, 1-based): chr17:18,155,160, C>T. VCF-style: chr17-18155160-C-T. GRCh37 (hg19) VCF-style: chr17-18058474-C-T.
Other names: short protein forms R2759W.
Identifiers: ClinVar variation 1930584 (VCV001930584.2), dbSNP rs1202893656, ClinGen allele CA398626066.

ClinVar aggregate classification (germline): Uncertain significance (1 of 4 stars; one submission).

Allele frequency attached by ClinVar (database versions not stated): gnomAD 0.00001; gnomAD exomes 0.00001; TOPMed 0.00001.
gnomAD v4.1: 15 of 1,613,840 alleles (0.00093%); highest among the groups gnomAD compares: East Asian, 0.0022%; no homozygotes.

Submission:

Labcorp Genetics (formerly Invitae), Labcorp
Classification: Uncertain significance. Last evaluated: 2022-06-23. Review status: criteria provided, single submitter. Criteria: Invitae Variant Classification Sherloc (09022015). Collection method: clinical testing. Allele origin: germline.
Comment: This sequence change replaces arginine, which is basic and polar, with tryptophan, which is neutral and slightly polar, at codon 2759 of the MYO15A protein (p.Arg2759Trp). This variant is not present in population databases (gnomAD no frequency). This variant has not been reported in the literature in individuals affected with MYO15A-related conditions. Algorithms developed to predict the effect of missense changes on protein structure and function are either unavailable or do not agree on the potential impact of this missense change (SIFT: "Deleterious"; PolyPhen-2: "Not Available"; Align-GVGD: "Class C65"). In summary, the available evidence is currently insufficient to determine the role of this variant in disease. Therefore, it has been classified as a Variant of Uncertain Significance.